The following is an entry in ClinVar:

NM_004366.6(CLCN2):c.2271+2dup

Gene: CLCN2 (chloride voltage-gated channel 2; minus strand). Cytogenetic location: 3q27.1.
Variant type: Duplication.
Coding change: c.2271+2dup on transcript NM_004366.6 (MANE Select); the canonical splice donor site of the intron after coding-DNA position 2271, one base duplicated (T; older notation c.2271+2dupT).
Molecular consequence: splice donor variant.
Genome position (GRCh38, 1-based): chr3:184,352,441, A duplicated on the plus strand (T on the coding strand, the reverse complement: CLCN2 is on the minus strand). VCF-style (leftmost placement, unchanged base first): chr3-184352440-T-TA. GRCh37 (hg19) VCF-style: chr3-184070228-T-TA.
Other names: c.2139+2dup (NM_001171088.3); c.2220+2dup (NM_001171087.3); c.2271+2dup (NM_001171089.3).
Identifiers: ClinVar variation 2017311 (VCV002017311.4), dbSNP rs2474235572, ClinGen allele CA2580070488.

ClinVar aggregate classification (germline): Uncertain significance (1 of 4 stars; one submission).

Submission:

Labcorp Genetics (formerly Invitae), Labcorp
Classification: Uncertain significance. Last evaluated: 2025-03-03. Review status: criteria provided, single submitter. Criteria: Invitae Variant Classification Sherloc (09022015). Collection method: clinical testing. Allele origin: germline.
Comment: This sequence change falls in intron 20 of the CLCN2 gene. It does not directly change the encoded amino acid sequence of the CLCN2 protein. It affects a nucleotide within the consensus splice site. This variant is not present in population databases (gnomAD no frequency). This variant has not been reported in the literature in individuals affected with CLCN2-related conditions. ClinVar contains an entry for this variant (Variation ID: 2017311). Variants that disrupt the consensus splice site are a relatively common cause of aberrant splicing (PMID: 17576681, 9536098). Algorithms developed to predict the effect of sequence changes on RNA splicing suggest that this variant may disrupt the consensus splice site. In summary, the available evidence is currently insufficient to determine the role of this variant in disease. Therefore, it has been classified as a Variant of Uncertain Significance.

Literature cited by the submitters: PubMed 17576681; PubMed 9536098.